The following is an entry in ClinVar:

NM_001330574.2(ZNF711):c.1237T>C (p.Trp413Arg)

Gene: ZNF711 (zinc finger protein 711; plus strand). Cytogenetic location: Xq21.1.
Variant type: single nucleotide variant.
Coding change: c.1237T>C on transcript NM_001330574.2 (MANE Select); coding-DNA position 1237, T replaced by C.
Protein change: p.Trp413Arg; replaces tryptophan 413 with arginine.
Molecular consequence: missense variant.
Genome position (GRCh38, 1-based): chrX:85,270,137, T>C. VCF-style: chrX-85270137-T-C. GRCh37 (hg19) VCF-style: chrX-84525143-T-C.
Other names: c.1237T>C, p.Trp413Arg (NM_001375431.1, NM_001375432.1, NM_001375433.1); c.1099T>C, p.Trp367Arg (NM_001375434.1, NM_001375435.1, NM_001375436.1 and 2 more transcripts); short protein forms W367R, W413R.
Identifiers: ClinVar variation 1328907 (VCV001328907.2), dbSNP rs749131017, ClinGen allele CA10464747.

ClinVar aggregate classification (germline): Uncertain significance (1 of 4 stars; one submission).

Allele frequency attached by ClinVar (database versions not stated): ExAC 0.00001; gnomAD 0.00001; gnomAD exomes 0.00001; TOPMed 0.00001.
gnomAD v4.1: 1 of 1,207,332 alleles (0.000083%); highest among the groups gnomAD compares: African/African-American, 0.0018%; no homozygotes.

Submission:

GeneDx
Classification: Uncertain significance. Last evaluated: 2021-06-19. Review status: criteria provided, single submitter. Criteria: GeneDx Variant Classification Process June 2021. Collection method: clinical testing. Allele origin: germline. Affected: yes.
Comment: Not observed at significant frequency in large population cohorts (Lek et al., 2016); In silico analysis supports that this missense variant does not alter protein structure/function; Has not been previously published as pathogenic or benign to our knowledge; This variant is associated with the following publications: (PMID: 27535533)